The following is an entry in ClinVar:

NM_000540.3(RYR1):c.1662G>T (p.Glu554Asp)

Gene: RYR1 (ryanodine receptor 1; plus strand). Cytogenetic location: 19q13.2.
Variant type: single nucleotide variant.
Coding change: c.1662G>T on transcript NM_000540.3 (MANE Select); coding-DNA position 1662, G replaced by T.
Protein change: p.Glu554Asp; replaces glutamic acid 554 with aspartic acid.
Molecular consequence: missense variant.
Genome position (GRCh38, 1-based): chr19:38,455,536, G>T. VCF-style: chr19-38455536-G-T. GRCh37 (hg19) VCF-style: chr19-38946176-G-T.
Other names: c.1662G>T, p.Glu554Asp (NM_001042723.2); c.1662G>T (NM_000540.2); short protein forms E554D.
Identifiers: ClinVar variation 1511825 (VCV001511825.5), dbSNP rs1967327642, ClinGen allele CA405690504.

ClinVar aggregate classification (germline): Uncertain significance. Review status: criteria provided, multiple submitters, no conflicts (2 of 4 stars). 2 submissions from 2 submitters: Uncertain significance (2). Last evaluated 2026-06-09.

Conditions:
RYR1-related disorder. Also called: RYR1-related condition; RYR1-related disorders. Identifiers: MedGen CN239331.
Inborn genetic diseases. Identifiers: MedGen C0950123, MeSH D030342.

Allele frequency attached by ClinVar (database versions not stated): gnomAD exomes below 0.00001.
gnomAD v4.1: 4 of 1,614,082 alleles (0.00025%); highest among the groups gnomAD compares: Non-Finnish European, 0.00025%; no homozygotes.

Submissions (2):

Ambry Genetics
Classification: Uncertain significance for Inborn genetic diseases. Last evaluated: 2026-06-09. Review status: criteria provided, single submitter. Criteria: Ambry Variant Classification Scheme 2023. Collection method: clinical testing. Allele origin: germline.

Labcorp Genetics (formerly Invitae), Labcorp
Classification: Uncertain significance for RYR1-related disorder. Last evaluated: 2021-08-02. Review status: criteria provided, single submitter. Criteria: Invitae Variant Classification Sherloc (09022015). Collection method: clinical testing. Allele origin: germline.
Comment: In summary, the available evidence is currently insufficient to determine the role of this variant in disease. Therefore, it has been classified as a Variant of Uncertain Significance. Advanced modeling of protein sequence and biophysical properties (such as structural, functional, and spatial information, amino acid conservation, physicochemical variation, residue mobility, and thermodynamic stability) performed at Invitae indicates that this missense variant is not expected to disrupt RYR1 protein function. This variant has not been reported in the literature in individuals affected with RYR1-related conditions. This variant is not present in population databases (ExAC no frequency). This sequence change replaces glutamic acid with aspartic acid at codon 554 of the RYR1 protein (p.Glu554Asp). The glutamic acid residue is highly conserved and there is a small physicochemical difference between glutamic acid and aspartic acid.